The following is an entry in ClinVar:

NM_021815.5(SLC5A7):c.42C>A (p.Phe14Leu)

Gene: SLC5A7 (solute carrier family 5 member 7; plus strand). Cytogenetic location: 2q12.3.
Variant type: single nucleotide variant.
Coding change: c.42C>A on transcript NM_021815.5 (MANE Select); coding-DNA position 42, C replaced by A.
Protein change: p.Phe14Leu; replaces phenylalanine 14 with leucine.
Molecular consequence: missense variant. On other transcripts: 5 prime UTR variant (1), intron variant (1).
Genome position (GRCh38, 1-based): chr2:107,988,197, C>A. VCF-style: chr2-107988197-C-A. GRCh37 (hg19) VCF-style: chr2-108604653-C-A.
Other names: c.42C>A, p.Phe14Leu (NM_001305005.3); c.-663C>A (NM_001305007.3); c.-138+1434C>A (NM_001305006.3); short protein forms F14L.
Identifiers: ClinVar variation 575621 (VCV000575621.6), dbSNP rs1558857378, ClinGen allele CA348019513.

ClinVar aggregate classification (germline): Uncertain significance (1 of 4 stars; one submission).

Conditions:
Neuronopathy, distal hereditary motor, type 7A. Also called: Neuronopathy, distal hereditary motor, type viia; NEURONOPATHY, DISTAL HEREDITARY MOTOR, HARDING TYPE VIIA; NEUROPATHY, DISTAL HEREDITARY MOTOR, HARDING TYPE VIIA; Neuronopathy, distal hereditary motor, autosomal dominant 7; HARPER-YOUNG MYOPATHY; HMN VIIA. Identifiers: Orphanet 139589, MedGen C1834703, MONDO:0008024, OMIM 158580.
Congenital myasthenic syndrome 20. Also called: Myasthenic syndrome, congenital, 20, presynaptic. Identifiers: MedGen C4310694, MONDO:0014939, OMIM 617143.

Submission:

Labcorp Genetics (formerly Invitae), Labcorp
Classification: Uncertain significance for Neuronopathy, distal hereditary motor, type 7A; Congenital myasthenic syndrome 20. Last evaluated: 2018-05-22. Review status: criteria provided, single submitter. Criteria: Invitae Variant Classification Sherloc (09022015). Collection method: clinical testing. Allele origin: germline.
Comment: In summary, the available evidence is currently insufficient to determine the role of this variant in disease. Therefore, it has been classified as a Variant of Uncertain Significance. Algorithms developed to predict the effect of missense changes on protein structure and function are either unavailable or do not agree on the potential impact of this missense change (SIFT: "Deleterious"; PolyPhen-2: "Possibly Damaging"; Align-GVGD: "Class C0"). This variant has not been reported in the literature in individuals with SLC5A7-related disease. This variant is not present in population databases (ExAC no frequency). This sequence change replaces phenylalanine with leucine at codon 14 of the SLC5A7 protein (p.Phe14Leu). The phenylalanine residue is highly conserved and there is a small physicochemical difference between phenylalanine and leucine.